The following is an entry in ClinVar:

NM_000501.4(ELN):c.376+2T>C

Gene: ELN (elastin; plus strand). Cytogenetic location: 7q11.23.
Variant type: single nucleotide variant.
Coding change: c.376+2T>C on transcript NM_000501.4 (MANE Select); the canonical splice donor site of the intron after coding-DNA position 376, T replaced by C.
Molecular consequence: splice donor variant.
Genome position (GRCh38, 1-based): chr7:74,043,036, T>C. VCF-style: chr7-74043036-T-C. GRCh37 (hg19) VCF-style: chr7-73457366-T-C.
Other names: c.376+2T>C (NM_001081754.3, NM_001081753.3, NM_001278939.2 and 5 more transcripts); c.340+2T>C (NM_001278913.2); c.346+2T>C (NM_001278914.2, NM_001278917.2, NM_001081752.3 and 1 more transcripts).
Identifiers: ClinVar variation 2507221 (VCV002507221.2), dbSNP rs539391153, ClinGen allele CA160126926.

ClinVar aggregate classification (germline): Uncertain significance. Review status: criteria provided, multiple submitters, no conflicts (2 of 4 stars). 2 submissions from 2 submitters: Uncertain significance (2). Last evaluated 2024-06-20.

Conditions:
Cutis laxa, autosomal dominant 1 (ADCL1). Also called: ELN-Related Cutis Laxa. Identifiers: Orphanet 90348, MedGen C3276539, MONDO:0007411, OMIM 123700. Disease mechanism: Dominant Negative.
Supravalvar aortic stenosis (SVAS). Also called: Supravalvar aortic stenosis, Eisenberg type. Identifiers: Orphanet 3193, MedGen C0003499, MONDO:0008504, OMIM 185500, HP:0004381.

Allele frequency attached by ClinVar (database versions not stated): gnomAD 0.00001; gnomAD exomes 0.00002; 1000 Genomes Project 30x 0.00016; 1000 Genomes Project 0.00020.
gnomAD v4.1: 35 of 1,614,104 alleles (0.0022%); highest among the groups gnomAD compares: Non-Finnish European, 0.0029%; no homozygotes.

Submissions (2):

Fulgent Genetics
Classification: Uncertain significance for Cutis laxa, autosomal dominant 1; Supravalvar aortic stenosis. Last evaluated: 2024-06-20. Review status: criteria provided, single submitter. Criteria: ACMG Guidelines, 2015. Collection method: clinical testing. Allele origin: germline.

GeneDx
Classification: Uncertain significance. Last evaluated: 2023-06-28. Review status: criteria provided, single submitter. Criteria: GeneDx Variant Classification Process June 2021. Collection method: clinical testing. Allele origin: germline. Affected: yes.
Comment: Canonical splice site variant with an unclear effect on protein function; Not observed at significant frequency in large population cohorts (gnomAD); Has not been previously published as pathogenic or benign to our knowledge